The following is an entry in ClinVar:

NM_000124.4(ERCC6):c.3122A>C (p.Gln1041Pro)

Gene: ERCC6 (ERCC excision repair 6, chromatin remodeling factor; minus strand). Cytogenetic location: 10q11.23.
Variant type: single nucleotide variant.
Coding change: c.3122A>C on transcript NM_000124.4 (MANE Select); coding-DNA position 3122, A replaced by C.
Protein change: p.Gln1041Pro; replaces glutamine 1041 with proline.
Molecular consequence: missense variant.
Genome position (GRCh38, 1-based): chr10:49,470,838, T>G on the plus strand (A>C on the coding strand, the complement: ERCC6 is on the minus strand). VCF-style: chr10-49470838-T-G. GRCh37 (hg19) VCF-style: chr10-50678884-T-G.
Other names: c.3122A>C, p.Gln1041Pro (NM_001346440.2); short protein forms Q1041P.
Identifiers: ClinVar variation 190164 (VCV000190164.56), dbSNP rs139007661, ClinGen allele CA199591.
Genomic context (GRCh38, chr10:49,470,838, plus strand): 5'-ATGTTAGAAGCAGGGAACTTCTTGCGTTTTGGAACATCATGGTCTGCTCCAAAGGCTGGT[T>G]GAATCCTTCTTTTTAGATGGCATTTGGGTGTCTGAACATCTGATCCAGTTCCTGTAAAGA-3'
Protein context (NP_000115.1, residues 1031-1051): TPKCHLKRRI[Gln1041Pro]PAFGADHDVP

ClinVar aggregate classification (germline): Conflicting classifications of pathogenicity. Review status: criteria provided, conflicting classifications (1 of 4 stars). 14 submissions from 13 submitters: Uncertain significance (5); Benign (4); Likely benign (4). 1 of the submissions does not count toward it. Last evaluated 2026-08-01.

Conditions:
Lung carcinoma. Identifiers: MedGen C0684249, MONDO:0005138.
Cockayne syndrome type 2 (CSB). Also called: Cockayne Syndrome, Type II; COCKAYNE SYNDROME B. Identifiers: Orphanet 191, Orphanet 90322, MedGen C0751038, MONDO:0019570, OMIM 133540.
DE SANCTIS-CACCHIONE SYNDROME. Identifiers: MedGen C0265201, MONDO:0010217, OMIM 278800.
Premature ovarian failure 11 (POF11). Identifiers: MedGen C4310783, MONDO:0014843, OMIM 616946.
Age related macular degeneration 5. Identifiers: MedGen C3151063, MONDO:0013409, OMIM 613761.
UV-sensitive syndrome 1 (UVSS1). Identifiers: Orphanet 178338, MedGen C3551173, MONDO:0010909, OMIM 600630.
Cerebrooculofacioskeletal syndrome 1 (COFS1). Also called: Cerebro-oculo-facio-skeletal syndrome 1. Identifiers: MedGen C0220722, MONDO:0008955, OMIM 214150.
Inborn genetic diseases. Identifiers: MedGen C0950123, MeSH D030342.
Cone-rod dystrophy. Also called: Cone-rod degeneration; Cone/cone-rod dystrophy. Identifiers: Orphanet 1872, MedGen C4085590, MONDO:0015993, HP:0000548.
Intellectual disability. Also called: intellectual disabilities; Intellectual developmental disorder; Intellectual functioning disability. Identifiers: MedGen C3714756, MeSH D008607, MONDO:0001071, HP:0001249.

Allele frequency attached by ClinVar (database versions not stated): 1000 Genomes Project 30x 0.00094; 1000 Genomes Project 0.00100; ESP Exome Variant Server 0.00146; ExAC 0.00163; gnomAD 0.00177 and 0.00179; TOPMed 0.00195.
gnomAD v4.1: 3,532 of 1,614,152 alleles (0.22%); highest among the groups gnomAD compares: Admixed American, 0.28%; 4 homozygotes.

Submissions (14):

CeGaT Center for Human Genetics Tuebingen
Classification: Benign. Last evaluated: 2026-08-01. Review status: criteria provided, single submitter. Criteria: CeGaT Center For Human Genetics Tuebingen Variant Classification Criteria Version 2. Collection method: clinical testing. Allele origin: germline. Affected: yes. Observed: 14 variant alleles.
Comment: ERCC6: BP4, BS1, BS2

Labcorp Genetics (formerly Invitae), Labcorp
Classification: Benign. Last evaluated: 2026-02-02. Review status: criteria provided, single submitter. Criteria: Invitae Variant Classification Sherloc (09022015). Collection method: clinical testing. Allele origin: germline.

Blueprint Genetics
Classification: Likely benign. Last evaluated: 2024-11-27. Review status: criteria provided, single submitter. Criteria: ACMG Guidelines, 2015. Collection method: clinical testing. Allele origin: germline.

Women's Health and Genetics/Laboratory Corporation of America, LabCorp
Classification: Likely benign. Last evaluated: 2022-07-23. Review status: criteria provided, single submitter. Criteria: LabCorp Variant Classification Summary - May 2015. Collection method: clinical testing. Allele origin: germline.
Comment: Variant summary: ERCC6 c.3122A>C (p.Gln1041Pro) results in a non-conservative amino acid change in the encoded protein sequence. Four of five in-silico tools predict a benign effect of the variant on protein function. The variant allele was found at a frequency of 0.0018 in 251060 control chromosomes in the gnomAD database, including 1 homozygote. The observed variant frequency is approximately 1.12 fold of the estimated maximal expected allele frequency for a pathogenic variant in ERCC6 causing Cockayne Syndrome phenotype (0.0016), strongly suggesting that the variant is benign. Although reported in the literature, to our knowledge, no occurrence of c.3122A>C in individuals affected with Cockayne Syndrome and no experimental evidence demonstrating its impact on protein function have been reported. Six clinical diagnostic laboratories have submitted clinical-significance assessments for this variant to ClinVar after 2014 without evidence for independent evaluation. Multiple laboratories reported the variant with conflicting assessments (benign/likely benign, n=3; VUS, n=3). Based on the evidence outlined above, the variant was classified as likely benign.

Ambry Genetics
Classification: Likely benign for Inborn genetic diseases. Last evaluated: 2022-01-12. Review status: criteria provided, single submitter. Criteria: Ambry Variant Classification Scheme 2023. Collection method: clinical testing. Allele origin: germline.

GeneDx
Classification: Likely benign. Last evaluated: 2020-12-14. Review status: criteria provided, single submitter. Criteria: GeneDx Variant Classification Process June 2021. Collection method: clinical testing. Allele origin: germline. Affected: yes.
Comment: This variant is associated with the following publications: (PMID: 29602769, 24036952, 28051113)

Cambridge Genomics Laboratory, East Genomic Laboratory Hub, NHS Genomic Medicine Service
Classification: Benign for Intellectual disability. Last evaluated: 2019-11-26. Review status: criteria provided, single submitter. Criteria: ACGS Best Practice Guidelines for Variant Classification in Rare Disease 2020. Collection method: clinical testing. Allele origin: germline. Affected: yes. Observed: 1 variant allele.

Cambridge Genomics Laboratory, East Genomic Laboratory Hub, NHS Genomic Medicine Service
Classification: Benign for Cone-rod dystrophy. Last evaluated: 2019-10-18. Review status: criteria provided, single submitter. Criteria: ACGS Best Practice Guidelines for Variant Classification in Rare Disease 2020. Collection method: clinical testing. Allele origin: germline. Affected: yes. Observed: 1 variant allele.

Mendelics
Classification: Uncertain significance for DE SANCTIS-CACCHIONE SYNDROME. Last evaluated: 2019-05-28. Review status: criteria provided, single submitter. Criteria: Mendelics Assertion Criteria 2017. Collection method: clinical testing. Allele origin: unknown.

Eurofins Ntd Llc (ga)
Classification: Uncertain significance. Last evaluated: 2018-04-17. Review status: criteria provided, single submitter. Criteria: EGL ClinVar v180209 classification definitions. Collection method: clinical testing. Allele origin: germline. Observed: 5 variant alleles, 5 heterozygotes.

Fulgent Genetics
Classification: Uncertain significance for Cockayne syndrome type 2; Lung cancer; Cerebrooculofacioskeletal syndrome 1; DE SANCTIS-CACCHIONE SYNDROME; UV-sensitive syndrome 1; Age related macular degeneration 5; Premature ovarian failure 11. Last evaluated: 2017-05-23. Review status: criteria provided, single submitter. Criteria: ACMG Guidelines, 2015. Collection method: clinical testing. Allele origin: unknown.

Genetic Services Laboratory, University of Chicago
Classification: Uncertain significance. Last evaluated: 2014-06-27. Review status: criteria provided, single submitter. Criteria: ACMG Guidelines, 2015. Collection method: clinical testing. Allele origin: germline.

Claritas Genomics
Classification: Uncertain significance. Last evaluated: 2014-01-06. Review status: criteria provided, single submitter. Criteria: ACMG Guidelines, 2007. Collection method: clinical testing. Allele origin: germline. Inheritance: Autosomal recessive inheritance.

Department of Pathology and Laboratory Medicine, Sinai Health System
Classification: Uncertain significance. Review status: no assertion criteria provided. Collection method: clinical testing. Allele origin: unknown. Affected: yes. Study: The Canadian Open Genetics Repository (COGR). Not counted in ClinVar's aggregate classification.
Comment: The ERCC6 p.Gln1041Pro variant was identified in the literature in 1 of 28 proband chromosomes (frequency: 0.036) from individuals with a positive history of cancer (proband had colon cancer) (Castellanos_2017_PMID:28051113). The variant was identified in dbSNP (ID: rs139007661), LOVD 3.0 and ClinVar (classified as benign by Invitae, likely benign by Illumina and uncertain significance by Claritas Genomics, Genetics Services Laboratory University of Chicago, Fulgent Genetics, EGL Genetic Diagnostics and GeneDx). The variant was identified in control databases in 492 of 282474 chromosomes (1 homozygous) at a frequency of 0.001742 increasing the likelihood this could be a low frequency benign variant (Genome Aggregation Database March 6, 2019, v2.1.1). The variant was observed in the following populations: Latino in 102 of 35408 chromosomes (freq: 0.002881), Other in 20 of 7200 chromosomes (freq: 0.002778), European (non-Finnish) in 317 of 128972 chromosomes (freq: 0.002458), Ashkenazi Jewish in 22 of 10362 chromosomes (freq: 0.002123), European (Finnish) in 15 of 25090 chromosomes (freq: 0.000598), African in 13 of 24904 chromosomes (freq: 0.000522), South Asian in 3 of 30588 chromosomes (freq: 0.000098), but was not observed in the East Asian population. The p.Gln1041 residue is not conserved in mammals and four out of five computational analyses (PolyPhen-2, SIFT, AlignGVGD, BLOSUM, MutationTaster) do not suggest a high likelihood of impact to the protein; however, this information is not predictive enough to rule out pathogenicity. The variant occurs outside of the splicing consensus sequence and in silico or computational prediction software programs (SpliceSiteFinder, MaxEntScan, NNSPLICE, GeneSplicer) do not predict a difference in splicing. In summary, based on the above information the clinical significance of this variant cannot be determined with certainty at this time. This variant is classified as a variant of uncertain significance.